The following is an entry in ClinVar:

ClinVar aggregate classification (germline): Pathogenic/Likely pathogenic. Review status: criteria provided, multiple submitters, no conflicts (2 of 4 stars). 2 submissions from 2 submitters: Pathogenic (1); Likely pathogenic (1). Last evaluated 2025-08-09.

Conditions:
RELA-related disorder. Also called: RELA-related condition.

Allele frequency attached by ClinVar (database versions not stated): gnomAD exomes below 0.00001.
gnomAD v4.1: 3 of 1,612,582 alleles (0.00019%); highest among the groups gnomAD compares: Non-Finnish European, 0.00017%; no homozygotes.

Submissions (2):

Labcorp Genetics (formerly Invitae), Labcorp
Classification: Pathogenic. Last evaluated: 2025-08-09. Review status: criteria provided, single submitter. Criteria: Invitae Variant Classification Sherloc (09022015). Collection method: clinical testing. Allele origin: germline.
Comment: This sequence change creates a premature translational stop signal (p.Arg236*) in the RELA gene. It is expected to result in an absent or disrupted protein product. Loss-of-function variants in RELA are known to be pathogenic (PMID: 28600438). This variant is not present in population databases (gnomAD no frequency). This variant has not been reported in the literature in individuals affected with RELA-related conditions. ClinVar contains an entry for this variant (Variation ID: 851182). For these reasons, this variant has been classified as Pathogenic.

PreventionGenetics, part of Exact Sciences
Classification: Likely pathogenic for RELA-related condition. Last evaluated: 2023-08-03. Review status: criteria provided, single submitter. Criteria: ACMG Guidelines, 2015. Collection method: clinical testing. Allele origin: germline.
Comment: The RELA c.706C>T variant is predicted to result in premature protein termination (p.Arg236*). To our knowledge, this variant has not been reported in the literature or in a large population database, indicating this variant is rare. Nonsense variants in RELA are expected to be pathogenic. This variant is interpreted as likely pathogenic.

Literature cited by the submitters: PubMed 28600438 (cited by Labcorp Genetics (formerly Invitae), Labcorp).

NM_021975.4(RELA):c.706C>T (p.Arg236Ter)

Gene: RELA (RELA proto-oncogene, NF-kB subunit; minus strand). Cytogenetic location: 11q13.1.
Variant type: single nucleotide variant.
Coding change: c.706C>T on transcript NM_021975.4 (MANE Select); coding-DNA position 706, C replaced by T.
Protein change: p.Arg236Ter; replaces arginine 236 with a stop codon.
Molecular consequence: nonsense.
Genome position (GRCh38, 1-based): chr11:65,658,458, G>A on the plus strand (C>T on the coding strand, the complement: RELA is on the minus strand). VCF-style: chr11-65658458-G-A. GRCh37 (hg19) VCF-style: chr11-65425929-G-A.
Other names: c.697C>T, p.Arg233Ter (NM_001145138.2); c.706C>T, p.Arg236Ter (NM_001243984.2, NM_001243985.2); short protein forms R236*, R233*.
Identifiers: ClinVar variation 851182 (VCV000851182.9), dbSNP rs1856484601, ClinGen allele CA381391296.